The following is an entry in ClinVar:

NM_152618.3(BBS12):c.1139C>T (p.Thr380Ile)

Gene: BBS12 (Bardet-Biedl syndrome 12; plus strand). Cytogenetic location: 4q27.
Variant type: single nucleotide variant.
Coding change: c.1139C>T on transcript NM_152618.3 (MANE Select); coding-DNA position 1139, C replaced by T.
Protein change: p.Thr380Ile; replaces threonine 380 with isoleucine.
Molecular consequence: missense variant.
Genome position (GRCh38, 1-based): chr4:122,743,031, C>T. VCF-style: chr4-122743031-C-T. GRCh37 (hg19) VCF-style: chr4-123664186-C-T.
Other names: c.1139C>T, p.Thr380Ile (NM_001178007.2); short protein forms T380I.
Identifiers: ClinVar variation 188395 (VCV000188395.49), dbSNP rs752254471, ClinGen allele CA334780.

ClinVar aggregate classification (germline): Uncertain significance. Review status: criteria provided, multiple submitters, no conflicts (2 of 4 stars). 7 submissions from 7 submitters: Uncertain significance (4). 3 of the submissions do not count toward it. Last evaluated 2024-04-09.

Conditions:
BBS12-related disorder. Also called: BBS12-related condition.
Bardet-Biedl syndrome (BBS). Identifiers: Orphanet 110, MedGen C0752166, MONDO:0015229.
Bardet-Biedl syndrome 12 (BBS12). Identifiers: Orphanet 110, MedGen C1859570, MONDO:0014440, OMIM 615989.

Allele frequency attached by ClinVar (database versions not stated): gnomAD 0.00001; TOPMed 0.00003; gnomAD exomes 0.00005 and 0.00012; ExAC 0.00015.
gnomAD v4.1: 70 of 1,614,094 alleles (0.0043%); highest among the groups gnomAD compares: South Asian, 0.065%; no homozygotes.

Submissions (7):

Blueprint Genetics
Classification: Uncertain significance. Last evaluated: 2024-04-09. Review status: criteria provided, single submitter. Criteria: ACMG Guidelines, 2015. Collection method: clinical testing. Allele origin: germline.

Labcorp Genetics (formerly Invitae), Labcorp
Classification: Uncertain significance for Bardet-Biedl syndrome. Last evaluated: 2022-07-25. Review status: criteria provided, single submitter. Criteria: Invitae Variant Classification Sherloc (09022015). Collection method: clinical testing. Allele origin: germline.
Comment: This sequence change replaces threonine, which is neutral and polar, with isoleucine, which is neutral and non-polar, at codon 380 of the BBS12 protein (p.Thr380Ile). This variant is present in population databases (rs752254471, gnomAD 0.07%). This variant has not been reported in the literature in individuals affected with BBS12-related conditions. ClinVar contains an entry for this variant (Variation ID: 188395). Algorithms developed to predict the effect of missense changes on protein structure and function are either unavailable or do not agree on the potential impact of this missense change (SIFT: "Deleterious"; PolyPhen-2: "Probably Damaging"; Align-GVGD: "Class C0"). In summary, the available evidence is currently insufficient to determine the role of this variant in disease. Therefore, it has been classified as a Variant of Uncertain Significance.

Fulgent Genetics
Classification: Uncertain significance for Bardet-Biedl syndrome 12. Last evaluated: 2022-03-01. Review status: criteria provided, single submitter. Criteria: ACMG Guidelines, 2015. Collection method: clinical testing. Allele origin: unknown.

CeGaT Center for Human Genetics Tuebingen
Classification: Uncertain significance. Last evaluated: 2017-07-01. Review status: criteria provided, single submitter. Criteria: CeGaT Center For Human Genetics Tuebingen Variant Classification Criteria Version 2. Collection method: clinical testing. Allele origin: germline. Affected: yes. Observed: 2 variant alleles.

PreventionGenetics, part of Exact Sciences
Classification: Uncertain significance for BBS12-related condition. Last evaluated: 2024-04-02. Review status: no assertion criteria provided. Collection method: clinical testing. Allele origin: germline. Not counted in ClinVar's aggregate classification.
Comment: The BBS12 c.1139C>T variant is predicted to result in the amino acid substitution p.Thr380Ile. The affected children, but not the mother, harbored a homozygous variant in the BBS5 gene, which the authors of this study speculate is causative for the ophthalmic phenotype. This variant is reported in 0.075% of alleles in individuals of South Asian descent in gnomAD, which may be too common to be a primary cause of disease. Although we suspect that this variant may be benign, at this time, the clinical significance of this variant is uncertain due to the absence of conclusive functional and genetic evidence.

Natera, Inc.
Classification: Uncertain significance for Bardet-Biedl syndrome type 12. Last evaluated: 2020-03-17. Review status: no assertion criteria provided. Collection method: clinical testing. Allele origin: germline. Not counted in ClinVar's aggregate classification.

Counsyl
Classification: Uncertain significance for Bardet-Biedl syndrome 12. Last evaluated: 2017-02-21. Review status: no assertion criteria provided. Collection method: clinical testing. Allele origin: unknown. Not counted in ClinVar's aggregate classification.